The following is an entry in ClinVar:

NM_206933.4(USH2A):c.3529G>C (p.Gly1177Arg)

Genes: USH2A-AS1 (USH2A antisense RNA 1; plus strand), USH2A (usherin; minus strand). Cytogenetic location: 1q41.
Variant type: single nucleotide variant.
Coding change: c.3529G>C on transcript NM_206933.4 (MANE Select); coding-DNA position 3529, G replaced by C.
Protein change: p.Gly1177Arg; replaces glycine 1177 with arginine.
Molecular consequence: missense variant.
Genome position (GRCh38, 1-based): chr1:216,199,909, C>G on the plus strand (G>C on the coding strand, the complement: USH2A is on the minus strand). VCF-style: chr1-216199909-C-G. GRCh37 (hg19) VCF-style: chr1-216373251-C-G.
Other names: c.3529G>C, p.Gly1177Arg (NM_007123.6); short protein forms G1177R.
Identifiers: ClinVar variation 2100140 (VCV002100140.1), dbSNP rs923020422, ClinGen allele CA344868267.

ClinVar aggregate classification (germline): Uncertain significance (1 of 4 stars; one submission).

Submission:

Labcorp Genetics (formerly Invitae), Labcorp
Classification: Uncertain significance. Last evaluated: 2022-02-20. Review status: criteria provided, single submitter. Criteria: Invitae Variant Classification Sherloc (09022015). Collection method: clinical testing. Allele origin: germline.
Comment: This sequence change replaces glycine, which is neutral and non-polar, with arginine, which is basic and polar, at codon 1177 of the USH2A protein (p.Gly1177Arg). This variant is not present in population databases (gnomAD no frequency). This variant has not been reported in the literature in individuals affected with USH2A-related conditions. Algorithms developed to predict the effect of missense changes on protein structure and function are either unavailable or do not agree on the potential impact of this missense change (SIFT: "Deleterious"; PolyPhen-2: "Probably Damaging"; Align-GVGD: "Class C0"). In summary, the available evidence is currently insufficient to determine the role of this variant in disease. Therefore, it has been classified as a Variant of Uncertain Significance.